The following is an entry in ClinVar:

NM_000441.2(SLC26A4):c.1614C>T (p.Asn538=)

Gene: SLC26A4 (solute carrier family 26 member 4; plus strand). Cytogenetic location: 7q22.3.
Variant type: single nucleotide variant.
Coding change: c.1614C>T on transcript NM_000441.2 (MANE Select); coding-DNA position 1614, C replaced by T.
Protein change: p.Asn538=; no amino-acid change (asparagine 538 retained).
Molecular consequence: synonymous variant.
Genome position (GRCh38, 1-based): chr7:107,698,111, C>T. VCF-style: chr7-107698111-C-T. GRCh37 (hg19) VCF-style: chr7-107338556-C-T.
Identifiers: ClinVar variation 43517 (VCV000043517.25), dbSNP rs111033193, ClinGen allele CA132671.
Genomic context (GRCh38, chr7:107,698,111, plus strand): 5'-GAATGGCCTTGGAAGCATCCCTAGCACAGATATCTACAAAAGTACCAAGAATTACAAAAA[C>T]GTAAGTACCTTTGTGAGACATTTGCTGGACTTGGGTTTACTAGCCTGAAGTTTCAGCAGC-3'
Protein context (NP_000432.1, residues 528-548): DIYKSTKNYK[Asn538=]IEEPQGVKIL

ClinVar aggregate classification (germline): Likely benign. Review status: reviewed by expert panel (3 of 4 stars). 8 submissions from 8 submitters: Likely benign (1). 7 of the submissions do not count toward it. Last evaluated 2019-07-29.

Conditions:
Pendred syndrome (PDS). Also called: Pendred's syndrome; DEAFNESS WITH GOITER; GOITER-DEAFNESS SYNDROME; HYPOTHYROIDISM, CONGENITAL, DUE TO DYSHORMONOGENESIS, 2B; Pendred Syndrome (PDS); THYROID DYSHORMONOGENESIS 2B. Identifiers: Orphanet 705, MedGen C0271829, MONDO:0010134, OMIM 274600.

Allele frequency attached by ClinVar (database versions not stated): ExAC 0.00029; 1000 Genomes Project 30x 0.00031; 1000 Genomes Project 0.00040; gnomAD exomes 0.00008 and 0.00022; gnomAD 0.00063 and 0.00069; TOPMed 0.00074; ESP Exome Variant Server 0.00100.
gnomAD v4.1: 215 of 1,591,912 alleles (0.014%); highest among the groups gnomAD compares: African/African-American, 0.23%; no homozygotes.

Submissions (8):

ClinGen Hearing Loss Variant Curation Expert Panel
Classification: Likely benign for Pendred syndrome. Last evaluated: 2019-07-29. Review status: reviewed by expert panel. Criteria: ClinGen HL ACMG Specifications v1. Collection method: curation. Allele origin: germline. Inheritance: Autosomal recessive inheritance.
Comment: The SLC26A4 p.Asn538Asn variant has been reported in the heterozygous state in one individual with unilateral hearing loss (PMID: 20621367). However, this variant is synonymous and is not predicted by computational prediction analysis, using MaxEntScan, to impact splicing (BP4, BP7). The filtering allele frequency (the lower threshold of the 95% CI of 60/24964) of the p.Asn538Asn variant in SLC26A4 is 0.19168% for African chromosomes in gnomAD, which is a higher frequency than would be expected for an autosomal recessive pathogenic variant based on the thresholds defined by the ClinGen Hearing Loss Expert Panel (BS1_Supporting). This variant has also been reported in ClinVar (Variation ID 43517). In summary, this variant meets criteria to be classified as likely benign. ACMG/AMP criteria applied, as specified by the Hearing Loss Expert Panel: BS1_Supporting, BP4, BP7.

Labcorp Genetics (formerly Invitae), Labcorp
Classification: Likely benign. Last evaluated: 2026-01-03. Review status: criteria provided, single submitter. Criteria: Invitae Variant Classification Sherloc (09022015). Collection method: clinical testing. Allele origin: germline. Not counted in ClinVar's aggregate classification.

GeneDx
Classification: Likely benign. Last evaluated: 2020-09-04. Review status: criteria provided, single submitter. Criteria: GeneDx Variant Classification Process June 2021. Collection method: clinical testing. Allele origin: germline. Affected: yes. Not counted in ClinVar's aggregate classification.
Comment: This variant is associated with the following publications: (PMID: 30245029, 20621367)

Eurofins Ntd Llc (ga)
Classification: Uncertain significance. Last evaluated: 2015-07-23. Review status: criteria provided, single submitter. Criteria: EGL Classification Definitions 2015. Collection method: clinical testing. Allele origin: germline. Observed: 1 variant allele, 1 heterozygote. Not counted in ClinVar's aggregate classification.

Laboratory for Molecular Medicine, Mass General Brigham Personalized Medicine
Classification: Likely benign. Last evaluated: 2008-03-01. Review status: criteria provided, single submitter. Criteria: LMM Criteria. Collection method: clinical testing. Allele origin: germline. Observed: 1 variant allele. Not counted in ClinVar's aggregate classification.

Breakthrough Genomics
Classification: Likely benign. Review status: criteria provided, single submitter. Criteria: ACMG Guidelines, 2015. Collection method: not provided. Allele origin: germline. Inheritance: Autosomal recessive inheritance. Affected: yes. Not counted in ClinVar's aggregate classification.

Natera, Inc.
Classification: Likely benign for Pendred syndrome. Last evaluated: 2020-01-16. Review status: no assertion criteria provided. Collection method: clinical testing. Allele origin: germline. Not counted in ClinVar's aggregate classification.

Counsyl
Classification: Uncertain significance for Pendred syndrome. Last evaluated: 2017-12-28. Review status: no assertion criteria provided. Collection method: clinical testing. Allele origin: unknown. Not counted in ClinVar's aggregate classification.

Literature cited by the submitters: PubMed 20621367 (cited by Counsyl).